The following is an entry in ClinVar:

NM_019066.5(MAGEL2):c.1460G>A (p.Arg487His)

Gene: MAGEL2 (MAGE family member L2; minus strand). Cytogenetic location: 15q11.2.
Variant type: single nucleotide variant.
Coding change: c.1460G>A on transcript NM_019066.5 (MANE Select); coding-DNA position 1460, G replaced by A.
Protein change: p.Arg487His; replaces arginine 487 with histidine.
Molecular consequence: missense variant.
Genome position (GRCh38, 1-based): chr15:23,646,283, C>T on the plus strand (G>A on the coding strand, the complement: MAGEL2 is on the minus strand). VCF-style: chr15-23646283-C-T. GRCh37 (hg19) VCF-style: chr15-23891430-C-T.
Other names: short protein forms R487H.
Identifiers: ClinVar variation 3354465 (VCV003354465.3).

ClinVar aggregate classification (germline): Uncertain significance. Review status: criteria provided, single submitter (1 of 4 stars). 2 submissions from 2 submitters: Uncertain significance (1). 1 of the submissions does not count toward it. Last evaluated 2025-07-10.

Conditions:
MAGEL2-related disorder. Also called: MAGEL2-related condition.

Submissions (2):

Labcorp Genetics (formerly Invitae), Labcorp
Classification: Uncertain significance. Last evaluated: 2025-07-10. Review status: criteria provided, single submitter. Criteria: Invitae Variant Classification Sherloc (09022015). Collection method: clinical testing. Allele origin: germline.
Comment: This sequence change replaces arginine, which is basic and polar, with histidine, which is basic and polar, at codon 487 of the MAGEL2 protein (p.Arg487His). This variant is not present in population databases (gnomAD no frequency). This variant has not been reported in the literature in individuals affected with MAGEL2-related conditions. ClinVar contains an entry for this variant (Variation ID: 3354465). Experimental studies and prediction algorithms are not available or were not evaluated, and the functional significance of this variant is currently unknown. In summary, the available evidence is currently insufficient to determine the role of this variant in disease. Therefore, it has been classified as a Variant of Uncertain Significance.

PreventionGenetics, part of Exact Sciences
Classification: Uncertain significance for MAGEL2-related condition. Last evaluated: 2024-08-30. Review status: no assertion criteria provided. Collection method: clinical testing. Allele origin: germline. Not counted in ClinVar's aggregate classification.
Comment: The MAGEL2 c.1460G>A variant is predicted to result in the amino acid substitution p.Arg487His. To our knowledge, this variant has not been reported in the literature or in a large population database, indicating this variant is rare. At this time, the clinical significance of this variant is uncertain due to the absence of conclusive functional and genetic evidence.